The following is an entry in ClinVar:

ClinVar aggregate classification (germline): Uncertain significance (1 of 4 stars; one submission).

Conditions:
Familial episodic pain syndrome with predominantly lower limb involvement. Also called: Episodic pain syndrome, familial, 3. Identifiers: Orphanet 391384, Orphanet 391392, MedGen C3809899, MONDO:0014247, OMIM 615552.
Hereditary sensory and autonomic neuropathy type 7. Also called: HSAN VII; Neuropathy, hereditary sensory and autonomic, type VII. Identifiers: Orphanet 391397, MedGen C3809882, MONDO:0014244, OMIM 615548.

gnomAD v4.1: 1 of 1,613,970 alleles (0.000062%); highest among the groups gnomAD compares: African/African-American, 0.0013%; no homozygotes.

Submission:

Labcorp Genetics (formerly Invitae), Labcorp
Classification: Uncertain significance for Familial episodic pain syndrome with predominantly lower limb involvement; Hereditary sensory and autonomic neuropathy type 7. Last evaluated: 2025-09-07. Review status: criteria provided, single submitter. Criteria: Invitae Variant Classification Sherloc (09022015). Collection method: clinical testing. Allele origin: germline.
Comment: This sequence change replaces lysine, which is basic and polar, with glutamic acid, which is acidic and polar, at codon 1034 of the SCN11A protein (p.Lys1034Glu). This variant is present in population databases (no rsID available, gnomAD 0.01%). This variant has not been reported in the literature in individuals affected with SCN11A-related conditions. Invitae Evidence Modeling of protein sequence and biophysical properties (such as structural, functional, and spatial information, amino acid conservation, physicochemical variation, residue mobility, and thermodynamic stability) indicates that this missense variant is not expected to disrupt SCN11A protein function with a negative predictive value of 80%. In summary, the available evidence is currently insufficient to determine the role of this variant in disease. Therefore, it has been classified as a Variant of Uncertain Significance.

NM_001349253.2(SCN11A):c.3100A>G (p.Lys1034Glu)

Gene: SCN11A (sodium voltage-gated channel alpha subunit 11; minus strand). Cytogenetic location: 3p22.2.
Variant type: single nucleotide variant.
Coding change: c.3100A>G on transcript NM_001349253.2 (MANE Select); coding-DNA position 3100, A replaced by G.
Protein change: p.Lys1034Glu; replaces lysine 1034 with glutamic acid.
Molecular consequence: missense variant.
Genome position (GRCh38, 1-based): chr3:38,883,352, T>C on the plus strand (A>G on the coding strand, the complement: SCN11A is on the minus strand). VCF-style: chr3-38883352-T-C. GRCh37 (hg19) VCF-style: chr3-38924843-T-C.
Other names: c.3100A>G, p.Lys1034Glu (NM_014139.3); short protein forms K1034E.
Identifiers: ClinVar variation 4788558 (VCV004788558.1).